The following is an entry in ClinVar:

ClinVar aggregate classification (germline): Benign (1 of 4 stars; one submission).

Allele frequency attached by ClinVar (database versions not stated): gnomAD 0.81703 and 0.82404; TOPMed 0.82185; 1000 Genomes Project 30x 0.83682; 1000 Genomes Project 0.84605.
gnomAD v4.1: 125,439 of 152,030 alleles (83%); highest among the groups gnomAD compares: East Asian, 99%; 52,648 homozygotes.

Submission:

GeneDx
Classification: Benign. Last evaluated: 2018-06-18. Review status: criteria provided, single submitter. Criteria: GeneDx Variant Classification (06012015). Collection method: clinical testing. Allele origin: germline. Affected: yes.
Comment: This variant is considered likely benign or benign based on one or more of the following criteria: it is a conservative change, it occurs at a poorly conserved position in the protein, it is predicted to be benign by multiple in silico algorithms, and/or has population frequency not consistent with disease.

NM_001386795.1(DTNA):c.149-285A>T

Gene: DTNA (dystrobrevin alpha; plus strand). Cytogenetic location: 18q12.1.
Variant type: single nucleotide variant.
Coding change: c.149-285A>T on transcript NM_001386795.1 (MANE Select); 285 bases into the intron before coding-DNA position 149, A replaced by T.
Molecular consequence: intron variant.
Genome position (GRCh38, 1-based): chr18:34,793,752, A>T. VCF-style: chr18-34793752-A-T. GRCh37 (hg19) VCF-style: chr18-32373716-A-T.
Other names: c.149-285A>T (NM_001386761.1, NM_001386762.1, NM_001386754.1 and 35 more transcripts).
Identifiers: ClinVar variation 683478 (VCV000683478.1), dbSNP rs1383291, ClinGen allele CA298587972.